The following is an entry in ClinVar:

ClinVar aggregate classification (germline): Uncertain significance (1 of 4 stars; one submission).

Conditions:
Acrocallosal syndrome (ACLS). Also called: HALLUX DUPLICATION, POSTAXIAL POLYDACTYLY, AND ABSENCE OF CORPUS CALLOSUM; Schinzel syndrome 1; Absence of corpus callosum with unusual facial appearance, mental deficiency, duplication of the halluces and polydactyly. Identifiers: Orphanet 36, MedGen C0796147, MONDO:0008708, OMIM 200990.

Submission:

Labcorp Genetics (formerly Invitae), Labcorp
Classification: Uncertain significance for Acrocallosal syndrome. Last evaluated: 2021-08-11. Review status: criteria provided, single submitter. Criteria: Invitae Variant Classification Sherloc (09022015). Collection method: clinical testing. Allele origin: germline.
Comment: In summary, the available evidence is currently insufficient to determine the role of this variant in disease. Therefore, it has been classified as a Variant of Uncertain Significance. Algorithms developed to predict the effect of missense changes on protein structure and function output the following: SIFT: "Tolerated"; PolyPhen-2: "Benign"; Align-GVGD: "Class C0". The threonine amino acid residue is found in multiple mammalian species, which suggests that this missense change does not adversely affect protein function. This variant has not been reported in the literature in individuals affected with KIF7-related conditions. The frequency data for this variant in the population databases is considered unreliable, as metrics indicate insufficient coverage at this position in the ExAC database. This sequence change replaces alanine with threonine at codon 399 of the KIF7 protein (p.Ala399Thr). The alanine residue is weakly conserved and there is a small physicochemical difference between alanine and threonine.

NM_198525.3(KIF7):c.1195G>A (p.Ala399Thr)

Gene: KIF7 (kinesin family member 7; minus strand). Cytogenetic location: 15q26.1.
Variant type: single nucleotide variant.
Coding change: c.1195G>A on transcript NM_198525.3 (MANE Select); coding-DNA position 1195, G replaced by A.
Protein change: p.Ala399Thr; replaces alanine 399 with threonine.
Molecular consequence: missense variant.
Genome position (GRCh38, 1-based): chr15:89,648,503, C>T on the plus strand (G>A on the coding strand, the complement: KIF7 is on the minus strand). VCF-style: chr15-89648503-C-T. GRCh37 (hg19) VCF-style: chr15-90191734-C-T.
Other names: short protein forms A399T.
Identifiers: ClinVar variation 1374203 (VCV001374203.6), dbSNP rs2142028675, ClinGen allele CA393771969.
Genomic context (GRCh38, chr15:89,648,503, plus strand): 5'-CGGCGTCGGTGCAGGCCCGGTAGCGCGCGCACTCGGCGCCCAGGCGCATGGCGGCCGCCG[C>T]GGAGGCGGTGGCTGGGCCTGGGGCGCGCCGGCCGCGGTGGATGATGCGGGTCTCGGAGCG-3'
Protein context (NP_940927.2, residues 389-409): RRAPGPATAS[Ala399Thr]AAAMRLGAEC